The following is an entry in ClinVar:

ClinVar aggregate classification (germline): Uncertain significance (1 of 4 stars; one submission).

Conditions:
Dyskeratosis congenita. Identifiers: Orphanet 1775, MedGen C0265965, MONDO:0015780.

gnomAD v4.1: 3 of 1,317,992 alleles (0.00023%); highest among the groups gnomAD compares: Non-Finnish European, 0.000096%; no homozygotes.

Submission:

Ambry Genetics
Classification: Uncertain significance for Dyskeratosis congenita. Last evaluated: 2025-05-03. Review status: criteria provided, single submitter. Criteria: Ambry Variant Classification Scheme 2023. Collection method: clinical testing. Allele origin: germline.
Comment: The c.-2C>T variant is located in the 5' untranslated region (5&rsquo; UTR) of the TERT gene. This variant results from a C to T substitution 2 bases upstream from the first translated codon. This nucleotide position is well conserved in available vertebrate species. Based on the available evidence, the clinical significance of this variant remains unclear.

NM_198253.3(TERT):c.-2C>T

Genes: TERT (telomerase reverse transcriptase; minus strand), LOC110806263 (TERT 5' regulatory region; plus strand). Cytogenetic location: 5p15.33.
Variant type: single nucleotide variant.
Coding change: c.-2C>T on transcript NM_198253.3 (MANE Select); 2 bases upstream of the start codon, C replaced by T.
Molecular consequence: 5 prime UTR variant. On other transcripts: non-coding transcript variant (2).
Genome position (GRCh38, 1-based): chr5:1,294,991, G>A on the plus strand (C>T on the coding strand, the complement: TERT is on the minus strand). VCF-style: chr5-1294991-G-A. GRCh37 (hg19) VCF-style: chr5-1295106-G-A.
Other names: c.-2C>T (NM_001193376.3).
Identifiers: ClinVar variation 3967339 (VCV003967339.1).